The following is an entry in ClinVar:

ClinVar aggregate classification (germline): Uncertain significance (1 of 4 stars; one submission).

gnomAD v4.1: 1 of 1,613,686 alleles (0.000062%); highest among the groups gnomAD compares: Non-Finnish European, 0.000085%; no homozygotes.

Submission:

Labcorp Genetics (formerly Invitae), Labcorp
Classification: Uncertain significance. Last evaluated: 2025-09-08. Review status: criteria provided, single submitter. Criteria: Invitae Variant Classification Sherloc (09022015). Collection method: clinical testing. Allele origin: germline.
Comment: This sequence change replaces proline, which is neutral and non-polar, with arginine, which is basic and polar, at codon 2786 of the FAT4 protein (p.Pro2786Arg). This variant is present in population databases (no rsID available, gnomAD 0.0009%). This variant has not been reported in the literature in individuals affected with FAT4-related conditions. ClinVar contains an entry for this variant (Variation ID: 1009239). Invitae Evidence Modeling of protein sequence and biophysical properties (such as structural, functional, and spatial information, amino acid conservation, physicochemical variation, residue mobility, and thermodynamic stability) indicates that this missense variant is not expected to disrupt FAT4 protein function with a negative predictive value of 80%. In summary, the available evidence is currently insufficient to determine the role of this variant in disease. Therefore, it has been classified as a Variant of Uncertain Significance.

NM_001291303.3(FAT4):c.8363C>G (p.Pro2788Arg)

Gene: FAT4 (FAT atypical cadherin 4; plus strand). Cytogenetic location: 4q28.1.
Variant type: single nucleotide variant.
Coding change: c.8363C>G on transcript NM_001291303.3 (MANE Select); coding-DNA position 8363, C replaced by G.
Protein change: p.Pro2788Arg; replaces proline 2788 with arginine.
Molecular consequence: missense variant.
Genome position (GRCh38, 1-based): chr4:125,449,373, C>G. VCF-style: chr4-125449373-C-G. GRCh37 (hg19) VCF-style: chr4-126370528-C-G.
Other names: c.8363C>G, p.Pro2788Arg (NM_001291285.3); c.8357C>G, p.Pro2786Arg (NM_024582.6); short protein forms P2786R, P2788R.
Identifiers: ClinVar variation 1009239 (VCV001009239.5), dbSNP rs267600011, ClinGen allele CA358145881.
Genomic context (GRCh38, chr4:125,449,373, plus strand): 5'-AAAATGATAATGCCCCTAGGTTTTCTCAGATATTTAGTGCCCATGTTCCTGAAAATTCCC[C>G]CTTAGGATACACAGTTACCCGTGTCACAACTTCTGATGAAGACATTGGGATCAATGCAAT-3'
Protein context (NP_001278232.1, residues 2778-2798): IFSAHVPENS[Pro2788Arg]LGYTVTRVTT